The following is an entry in ClinVar:

ClinVar aggregate classification (germline): Benign (1 of 4 stars; one submission).

Conditions:
Spinocerebellar ataxia, autosomal recessive, with axonal neuropathy 1 (SCAN1). Identifiers: Orphanet 94124, MedGen C4759870, MONDO:0011801, OMIM 607250.

Allele frequency attached by ClinVar (database versions not stated): gnomAD exomes 0.00098; gnomAD 0.01917 and 0.02032; TOPMed 0.02038; 1000 Genomes Project 0.02536; 1000 Genomes Project 30x 0.02577.
gnomAD v4.1: 2,907 of 171,468 alleles (1.7%); highest among the groups gnomAD compares: African/African-American, 6.5%; 84 homozygotes.

Submission:

Illumina Laboratory Services, Illumina
Classification: Benign for Spinocerebellar ataxia, autosomal recessive, with axonal neuropathy 1. Last evaluated: 2018-01-12. Review status: criteria provided, single submitter. Criteria: ICSL Variant Classification Criteria 13 December 2019. Collection method: clinical testing. Allele origin: germline.
Comment: This variant was observed in the ICSL laboratory as part of a predisposition screen in an ostensibly healthy population. It had not been previously curated by ICSL or reported in the Human Gene Mutation Database (HGMD: prior to June 1st, 2018), and was therefore a candidate for classification through an automated scoring system. Utilizing variant allele frequency, disease prevalence and penetrance estimates, and inheritance mode, an automated score was calculated to assess if this variant is too frequent to cause the disease. Based on the score and internal cut-off values, a variant classified as benign is not then subjected to further curation. The score for this variant resulted in a classification of benign for this disease.

NM_018319.4(TDP1):c.*539G>A

Gene: TDP1 (tyrosyl-DNA phosphodiesterase 1; plus strand). Cytogenetic location: 14q32.11.
Variant type: single nucleotide variant.
Coding change: c.*539G>A on transcript NM_018319.4 (MANE Select); 539 bases downstream of the stop codon, G replaced by A.
Molecular consequence: 3 prime UTR variant.
Genome position (GRCh38, 1-based): chr14:90,043,682, G>A. VCF-style: chr14-90043682-G-A. GRCh37 (hg19) VCF-style: chr14-90510026-G-A.
Other names: c.*539G>A (NM_001008744.2); c.*520G>A (NM_001330205.2).
Identifiers: ClinVar variation 314846 (VCV000314846.5), dbSNP rs35090050, ClinGen allele CA10635517.